The following is an entry in ClinVar:

ClinVar aggregate classification (germline): Uncertain significance. Review status: criteria provided, multiple submitters, no conflicts (2 of 4 stars). 2 submissions from 2 submitters: Uncertain significance (2). Last evaluated 2024-10-20.

Conditions:
Hereditary cancer-predisposing syndrome. Also called: Hereditary Cancer Syndrome; Hereditary neoplastic syndrome; Neoplastic Syndromes, Hereditary; Tumor predisposition. Identifiers: Orphanet 140162, MedGen C0027672, MeSH D009386, MONDO:0015356.

Submissions (2):

Labcorp Genetics (formerly Invitae), Labcorp
Classification: Uncertain significance. Last evaluated: 2024-10-20. Review status: criteria provided, single submitter. Criteria: Invitae Variant Classification Sherloc (09022015). Collection method: clinical testing. Allele origin: germline.
Comment: This sequence change replaces alanine, which is neutral and non-polar, with aspartic acid, which is acidic and polar, at codon 443 of the MSH3 protein (p.Ala443Asp). This variant is not present in population databases (gnomAD no frequency). This variant has not been reported in the literature in individuals affected with MSH3-related conditions. ClinVar contains an entry for this variant (Variation ID: 1770049). An algorithm developed to predict the effect of missense changes on protein structure and function (PolyPhen-2) suggests that this variant is likely to be tolerated. In summary, the available evidence is currently insufficient to determine the role of this variant in disease. Therefore, it has been classified as a Variant of Uncertain Significance.

Ambry Genetics
Classification: Uncertain significance for Hereditary cancer-predisposing syndrome. Last evaluated: 2023-05-30. Review status: criteria provided, single submitter. Criteria: Ambry Variant Classification Scheme 2023. Collection method: clinical testing. Allele origin: germline.
Comment: The p.A443D variant (also known as c.1328C>A), located in coding exon 8 of the MSH3 gene, results from a C to A substitution at nucleotide position 1328. The alanine at codon 443 is replaced by aspartic acid, an amino acid with dissimilar properties. This amino acid position is not well conserved in available vertebrate species. In addition, this alteration is predicted to be tolerated by in silico analysis. Since supporting evidence is limited at this time, the clinical significance of this alteration remains unclear.

NM_002439.5(MSH3):c.1328C>A (p.Ala443Asp)

Gene: MSH3 (mutS homolog 3; plus strand). Cytogenetic location: 5q14.1.
Variant type: single nucleotide variant.
Coding change: c.1328C>A on transcript NM_002439.5 (MANE Select); coding-DNA position 1328, C replaced by A.
Protein change: p.Ala443Asp; replaces alanine 443 with aspartic acid.
Molecular consequence: missense variant.
Genome position (GRCh38, 1-based): chr5:80,679,081, C>A. VCF-style: chr5-80679081-C-A. GRCh37 (hg19) VCF-style: chr5-79974900-C-A.
Other names: short protein forms A443D.
Identifiers: ClinVar variation 1770049 (VCV001770049.5), dbSNP rs1580556608, ClinGen allele CA360269130.